The following is an entry in ClinVar:

NM_002905.5(RDH5):c.102C>T (p.Thr34=)

Genes: RDH5 (retinol dehydrogenase 5; plus strand), BLOC1S1-RDH5 (BLOC1S1-RDH5 readthrough; plus strand). Cytogenetic location: 12q13.2.
Variant type: single nucleotide variant.
Coding change: c.102C>T on transcript NM_002905.5 (MANE Select); coding-DNA position 102, C replaced by T.
Protein change: p.Thr34=; no amino-acid change (threonine 34 retained).
Molecular consequence: synonymous variant.
Genome position (GRCh38, 1-based): chr12:55,721,286, C>T. VCF-style: chr12-55721286-C-T. GRCh37 (hg19) VCF-style: chr12-56115070-C-T.
Other names: c.102C>T (NM_002905.3); c.102C>T, p.Thr34= (NM_001199771.3).
Identifiers: ClinVar variation 1642793 (VCV001642793.10), dbSNP rs374471761, ClinGen allele CA6616745.

ClinVar aggregate classification (germline): Likely benign. Review status: criteria provided, multiple submitters, no conflicts (2 of 4 stars). 3 submissions from 3 submitters: Likely benign (3). Last evaluated 2025-08-07.

Conditions:
RDH5-related disorder. Also called: RDH5-related condition.

Allele frequency attached by ClinVar (database versions not stated): gnomAD 0.00002 and 0.00003; TOPMed 0.00003; gnomAD exomes 0.00005; ExAC 0.00007; ESP Exome Variant Server 0.00008; 1000 Genomes Project 0.00020; 1000 Genomes Project 30x 0.00047.

Submissions (3):

Labcorp Genetics (formerly Invitae), Labcorp
Classification: Likely benign. Last evaluated: 2025-08-07. Review status: criteria provided, single submitter. Criteria: Invitae Variant Classification Sherloc (09022015). Collection method: clinical testing. Allele origin: germline.

PreventionGenetics, part of Exact Sciences
Classification: Likely benign for RDH5-related condition. Last evaluated: 2024-12-11. Review status: criteria provided, single submitter. Criteria: ACMG Guidelines, 2015. Collection method: clinical testing. Allele origin: germline.
Comment: This variant is classified as likely benign based on ACMG/AMP sequence variant interpretation guidelines (Richards et al. 2015 PMID: 25741868, with internal and published modifications).

Blueprint Genetics
Classification: Likely benign. Last evaluated: 2019-10-31. Review status: criteria provided, single submitter. Criteria: ACMG Guidelines, 2015. Collection method: clinical testing. Allele origin: germline.